The following is an entry in ClinVar:

NM_030777.4(SLC2A10):c.659A>T (p.Asp220Val)

Gene: SLC2A10 (solute carrier family 2 member 10; plus strand). Cytogenetic location: 20q13.12.
Variant type: single nucleotide variant.
Coding change: c.659A>T on transcript NM_030777.4 (MANE Select); coding-DNA position 659, A replaced by T.
Protein change: p.Asp220Val; replaces aspartic acid 220 with valine.
Molecular consequence: missense variant.
Genome position (GRCh38, 1-based): chr20:46,725,695, A>T. VCF-style: chr20-46725695-A-T. GRCh37 (hg19) VCF-style: chr20-45354334-A-T.
Other names: short protein forms D220V.
Identifiers: ClinVar variation 3956319 (VCV003956319.1).

ClinVar aggregate classification (germline): Uncertain significance (1 of 4 stars; one submission).

Conditions:
Familial thoracic aortic aneurysm and aortic dissection (TAAD). Also called: Thoracic aortic aneurysms and dissections. Identifiers: Orphanet 91387, MedGen C4707243, MONDO:0019625.

Submission:

Ambry Genetics
Classification: Uncertain significance for Familial thoracic aortic aneurysm and aortic dissection. Last evaluated: 2025-03-25. Review status: criteria provided, single submitter. Criteria: Ambry Variant Classification Scheme 2023. Collection method: clinical testing. Allele origin: germline.
Comment: The p.D220V variant (also known as c.659A>T), located in coding exon 2 of the SLC2A10 gene, results from an A to T substitution at nucleotide position 659. The aspartic acid at codon 220 is replaced by valine, an amino acid with highly dissimilar properties. This amino acid position is conserved. In addition, the in silico prediction for this alteration is inconclusive. Based on the available evidence, the clinical significance of this variant remains unclear.